The following is an entry in ClinVar:

NM_005861.4(STUB1):c.823dup (p.Leu275fs)

Genes: JMJD8 (jumonji domain containing 8; minus strand), STUB1 (STIP1 homology and U-box containing protein 1; plus strand). Cytogenetic location: 16p13.3.
Variant type: Duplication.
Coding change: c.823dup on transcript NM_005861.4 (MANE Select); coding-DNA position 823, one base duplicated (C; older notation c.823dupC).
Protein change: p.Leu275fs; shifts the reading frame from leucine 275.
Molecular consequence: frameshift variant. On other transcripts: 3 prime UTR variant (5), non-coding transcript variant (3).
Genome position (GRCh38, 1-based): chr16:682,400, C duplicated; the last of 5 consecutive C bases (chr16:682,396-682,400); duplicating any one gives the same sequence. VCF-style (leftmost placement, unchanged base first): chr16-682395-G-GC. GRCh37 (hg19) VCF-style: chr16-732395-G-GC.
Other names: c.607dup, p.Leu203fs (NM_001293197.2); c.*398dup (NM_001005920.4, NM_001323919.3, NM_001323920.3); c.*432dup (NM_001323918.3, NM_001323922.3); short protein forms L203fs, L275fs.
Identifiers: ClinVar variation 976748 (VCV000976748.6), dbSNP rs2039704361, ClinGen allele CA1139664224.

ClinVar aggregate classification (germline): Pathogenic/Likely pathogenic. Review status: criteria provided, multiple submitters, no conflicts (2 of 4 stars). 4 submissions from 4 submitters: Pathogenic (1); Likely pathogenic (3). Last evaluated 2024-11-03.

Conditions:
STUB1-related disorder. Also called: STUB1-related condition.
Spinocerebellar ataxia 48. Identifiers: Orphanet 631103, MedGen C4748158, MONDO:0032526, OMIM 618093.

Submissions (4):

Revvity Omics, Revvity
Classification: Likely pathogenic. Last evaluated: 2024-11-03. Review status: criteria provided, single submitter. Criteria: ACMG Guidelines, 2015. Collection method: clinical testing. Allele origin: germline.

GeneDx
Classification: Likely pathogenic. Last evaluated: 2024-09-05. Review status: criteria provided, single submitter. Criteria: GeneDx Variant Classification Process June 2021. Collection method: clinical testing. Allele origin: germline. Affected: yes.
Comment: Frameshift variant predicted to result in abnormal protein length as the last 29 amino acids are replaced with 16 different amino acids, and other similar variants have been reported in HGMD; Not observed at significant frequency in large population cohorts (gnomAD); Has not been previously published as pathogenic or benign to our knowledge

Blueprint Genetics
Classification: Likely pathogenic for STUB1-related disorders. Last evaluated: 2021-03-22. Review status: criteria provided, single submitter. Criteria: ACMG Guidelines, 2015. Collection method: clinical testing. Allele origin: germline. Affected: yes. Observed: 1 variant allele.

Institute of Human Genetics Munich, TUM University Hospital
Classification: Pathogenic for Spinocerebellar ataxia 48. Last evaluated: 2020-02-21. Review status: criteria provided, single submitter. Criteria: Classification criteria August 2017. Collection method: clinical testing. Allele origin: germline. Inheritance: Autosomal dominant inheritance. Affected: yes. Observed: 1 heterozygote.